The following is an entry in ClinVar:

NM_004415.4(DSP):c.2951T>A (p.Met984Lys)

Gene: DSP (desmoplakin; plus strand). Cytogenetic location: 6p24.3.
Variant type: single nucleotide variant.
Coding change: c.2951T>A on transcript NM_004415.4 (MANE Select); coding-DNA position 2951, T replaced by A.
Protein change: p.Met984Lys; replaces methionine 984 with lysine.
Molecular consequence: missense variant.
Genome position (GRCh38, 1-based): chr6:7,577,852, T>A. VCF-style: chr6-7577852-T-A. GRCh37 (hg19) VCF-style: chr6-7578085-T-A.
Other names: c.2951T>A, p.Met984Lys (NM_001008844.3, NM_001319034.2); short protein forms M984K.
Identifiers: ClinVar variation 919889 (VCV000919889.8), dbSNP rs1452300736, ClinGen allele CA362682505.

ClinVar aggregate classification (germline): Uncertain significance. Review status: criteria provided, multiple submitters, no conflicts (2 of 4 stars). 3 submissions from 3 submitters: Uncertain significance (3). Last evaluated 2024-03-06.

Conditions:
Cardiomyopathy (CMYO). Also called: Cardiomyopathies. Identifiers: Orphanet 167848, MedGen C0878544, MONDO:0004994, HP:0001638. Inheritance: Various modes of inheritance.
Cardiovascular phenotype. Identifiers: MedGen CN230736.

Submissions (3):

Color Diagnostics, LLC DBA Color Health
Classification: Uncertain significance for Cardiomyopathy. Last evaluated: 2024-03-06. Review status: criteria provided, single submitter. Criteria: ACMG Guidelines, 2015. Collection method: clinical testing. Allele origin: germline.
Comment: This missense variant replaces methionine with lysine at codon 984 of the DSP protein. Computational prediction tool is inconclusive regarding the impact of this variant on protein structure and function (internally defined REVEL score threshold 0.5 < inconclusive < 0.7, PMID: 27666373). Splice site prediction tools suggest that this variant may not impact RNA splicing. To our knowledge, functional studies have not been performed for this variant. This variant has not been reported in individuals affected with cardiovascular disorders in the literature. This variant has been identified in 1/251448 chromosomes in the general population by the Genome Aggregation Database (gnomAD). The available evidence is insufficient to determine the role of this variant in disease conclusively. Therefore, this variant is classified as a Variant of Uncertain Significance.

Ambry Genetics
Classification: Uncertain significance for Cardiovascular phenotype. Last evaluated: 2022-09-26. Review status: criteria provided, single submitter. Criteria: Ambry Variant Classification Scheme 2023. Collection method: clinical testing. Allele origin: germline.
Comment: The p.M984K variant (also known as c.2951T>A), located in coding exon 21 of the DSP gene, results from a T to A substitution at nucleotide position 2951. The methionine at codon 984 is replaced by lysine, an amino acid with similar properties. This amino acid position is conserved. In addition, the in silico prediction for this alteration is inconclusive. Since supporting evidence is limited at this time, the clinical significance of this alteration remains unclear.

GeneDx
Classification: Uncertain significance. Last evaluated: 2019-04-29. Review status: criteria provided, single submitter. Criteria: GeneDx Variant Classification Process June 2021. Collection method: clinical testing. Allele origin: germline. Affected: yes.
Comment: Not observed at a significant frequency in large population cohorts (Lek et al., 2016); In silico analysis, which includes protein predictors and evolutionary conservation, supports that this variant does not alter protein structure/function; Has not been previously published as pathogenic or benign to our knowledge